The following is an entry in ClinVar:

ClinVar aggregate classification (germline): Uncertain significance (1 of 4 stars; one submission).

Conditions:
Inflammatory bowel disease 25. Also called: Inflammatory bowel disease 25, early onset, autosomal recessive. Identifiers: Orphanet 238569, MedGen C2675508, MONDO:0012941, OMIM 612567.

Allele frequency attached by ClinVar (database versions not stated): gnomAD exomes below 0.00001.
gnomAD v4.1: 1 of 1,614,056 alleles (0.000062%); highest among the groups gnomAD compares: Admixed American, 0.0017%; no homozygotes.

Submission:

Labcorp Genetics (formerly Invitae), Labcorp
Classification: Uncertain significance for Inflammatory bowel disease 25. Last evaluated: 2022-02-22. Review status: criteria provided, single submitter. Criteria: Invitae Variant Classification Sherloc (09022015). Collection method: clinical testing. Allele origin: germline.
Comment: ClinVar contains an entry for this variant (Variation ID: 1017692). This variant has not been reported in the literature in individuals affected with IL10RB-related conditions. This variant is not present in population databases (gnomAD no frequency). This sequence change replaces valine, which is neutral and non-polar, with isoleucine, which is neutral and non-polar, at codon 218 of the IL10RB protein (p.Val218Ile). Algorithms developed to predict the effect of missense changes on protein structure and function (SIFT, PolyPhen-2, Align-GVGD) all suggest that this variant is likely to be tolerated. In summary, the available evidence is currently insufficient to determine the role of this variant in disease. Therefore, it has been classified as a Variant of Uncertain Significance.

NM_000628.5(IL10RB):c.652G>A (p.Val218Ile)

Genes: IL10RB (interleukin 10 receptor subunit beta; plus strand), IFNAR2-IL10RB (IFNAR2-IL10RB readthrough; plus strand). Cytogenetic location: 21q22.11.
Variant type: single nucleotide variant.
Coding change: c.652G>A on transcript NM_000628.5 (MANE Select); coding-DNA position 652, G replaced by A.
Protein change: p.Val218Ile; replaces valine 218 with isoleucine.
Molecular consequence: missense variant.
Genome position (GRCh38, 1-based): chr21:33,288,109, G>A. VCF-style: chr21-33288109-G-A. GRCh37 (hg19) VCF-style: chr21-34660414-G-A.
Other names: short protein forms V218I.
Identifiers: ClinVar variation 1017692 (VCV001017692.11), dbSNP rs776085475, ClinGen allele CA410111345.